The following is an entry in ClinVar:

ClinVar aggregate classification (germline): Uncertain significance (1 of 4 stars; one submission).

Allele frequency attached by ClinVar (database versions not stated): gnomAD 0.00001; gnomAD exomes 0.00001.

Submission:

Labcorp Genetics (formerly Invitae), Labcorp
Classification: Uncertain significance. Last evaluated: 2022-06-10. Review status: criteria provided, single submitter. Criteria: Invitae Variant Classification Sherloc (09022015). Collection method: clinical testing. Allele origin: germline.
Comment: This variant is present in population databases (no rsID available, gnomAD 0.002%). This variant, c.1987_1989del, results in the deletion of 1 amino acid(s) of the ALPK1 protein (p.Asn663del), but otherwise preserves the integrity of the reading frame. This variant has not been reported in the literature in individuals affected with ALPK1-related conditions. Experimental studies and prediction algorithms are not available or were not evaluated, and the functional significance of this variant is currently unknown. In summary, the available evidence is currently insufficient to determine the role of this variant in disease. Therefore, it has been classified as a Variant of Uncertain Significance.

NM_025144.4(ALPK1):c.1987_1989del (p.Asn663del)

Gene: ALPK1 (alpha kinase 1; plus strand). Cytogenetic location: 4q25.
Variant type: Deletion.
Coding change: c.1987_1989del on transcript NM_025144.4 (MANE Select); coding-DNA positions 1987 to 1989, 3 bases deleted (AAT; older notation c.1987_1989delAAT).
Protein change: p.Asn663del; deletes asparagine 663.
Molecular consequence: inframe deletion.
Genome position (GRCh38, 1-based): chr4:112,431,534-112,431,536, AAT deleted. VCF-style (leftmost placement, unchanged base first): chr4-112431533-AAAT-A. GRCh37 (hg19) VCF-style: chr4-113352689-AAAT-A.
Other names: c.1987_1989del, p.Asn663del (NM_001102406.2); c.1753_1755del, p.Asn585del (NM_001253884.2); short protein forms N585del, N663del.
Identifiers: ClinVar variation 2180864 (VCV002180864.4), dbSNP rs1170374714, ClinGen allele CA554143683.